The following is an entry in ClinVar:

ClinVar aggregate classification (germline): Uncertain significance (1 of 4 stars; one submission).

Conditions:
Succinate-semialdehyde dehydrogenase deficiency (SSADHD). Also called: 4-HYDROXYBUTYRIC ACIDURIA; GABA METABOLIC DEFECT; SSADH DEFICIENCY; Succinic Semialdehyde Dehydrogenase Deficiency. Identifiers: Orphanet 22, MedGen C0268631, MONDO:0010083, OMIM 271980.

gnomAD v4.1: 1 of 1,613,146 alleles (0.000062%); highest among the groups gnomAD compares: Non-Finnish European, 0.000085%; no homozygotes.

Submission:

Labcorp Genetics (formerly Invitae), Labcorp
Classification: Uncertain significance for Succinate-semialdehyde dehydrogenase deficiency. Last evaluated: 2022-04-16. Review status: criteria provided, single submitter. Criteria: Invitae Variant Classification Sherloc (09022015). Collection method: clinical testing. Allele origin: germline.
Comment: In summary, the available evidence is currently insufficient to determine the role of this variant in disease. Therefore, it has been classified as a Variant of Uncertain Significance. Advanced modeling of protein sequence and biophysical properties (such as structural, functional, and spatial information, amino acid conservation, physicochemical variation, residue mobility, and thermodynamic stability) performed at Invitae indicates that this missense variant is not expected to disrupt ALDH5A1 protein function. ClinVar contains an entry for this variant (Variation ID: 838805). This variant has not been reported in the literature in individuals affected with ALDH5A1-related conditions. This variant is not present in population databases (gnomAD no frequency). This sequence change replaces lysine, which is basic and polar, with arginine, which is basic and polar, at codon 126 of the ALDH5A1 protein (p.Lys126Arg).

NM_001080.3(ALDH5A1):c.377A>G (p.Lys126Arg)

Gene: ALDH5A1 (aldehyde dehydrogenase 5 family member A1; plus strand). Cytogenetic location: 6p22.3.
Variant type: single nucleotide variant.
Coding change: c.377A>G on transcript NM_001080.3 (MANE Select); coding-DNA position 377, A replaced by G.
Protein change: p.Lys126Arg; replaces lysine 126 with arginine.
Molecular consequence: missense variant.
Genome position (GRCh38, 1-based): chr6:24,502,545, A>G. VCF-style: chr6-24502545-A-G. GRCh37 (hg19) VCF-style: chr6-24502773-A-G.
Other names: c.377A>G, p.Lys126Arg (NM_001368954.1, NM_170740.1); short protein forms K126R.
Identifiers: ClinVar variation 838805 (VCV000838805.8), dbSNP rs1759219662, ClinGen allele CA362969072.